The following is an entry in ClinVar:

NM_144969.3(ZDHHC15):c.599G>A (p.Trp200Ter)

Gene: ZDHHC15 (zDHHC palmitoyltransferase 15; minus strand). Cytogenetic location: Xq13.3.
Variant type: single nucleotide variant.
Coding change: c.599G>A on transcript NM_144969.3 (MANE Select); coding-DNA position 599, G replaced by A.
Protein change: p.Trp200Ter; replaces tryptophan 200 with a stop codon.
Molecular consequence: nonsense.
Genome position (GRCh38, 1-based): chrX:75,429,082, C>T on the plus strand (G>A on the coding strand, the complement: ZDHHC15 is on the minus strand). VCF-style: chrX-75429082-C-T. GRCh37 (hg19) VCF-style: chrX-74648917-C-T.
Other names: c.572G>A, p.Trp191Ter (NM_001146256.2); short protein forms W200*, W191*.
Identifiers: ClinVar variation 1033110 (VCV001033110.1), dbSNP rs2083746861, ClinGen allele CA413683083.

ClinVar aggregate classification (germline): Uncertain significance (1 of 4 stars; one submission).

Conditions:
Intellectual developmental disorder, X-linked 91. Also called: Intellectual disability, X-linked 91. Identifiers: MedGen C1845142, MONDO:0010363, OMIM 300577.

Allele frequency attached by ClinVar (database versions not stated): gnomAD exomes below 0.00001.
gnomAD v4.1: 1 of 1,207,450 alleles (0.000083%); highest among the groups gnomAD compares: Non-Finnish European, 0.00011%; no homozygotes.

Submission:

Baylor Genetics
Classification: Uncertain significance for Intellectual developmental disorder, X-linked 91. Last evaluated: 2018-02-21. Review status: criteria provided, single submitter. Criteria: ACMG Guidelines, 2015. Collection method: clinical testing. Allele origin: maternal. Affected: yes.
Comment: This variant was determined to be of uncertain significance according to ACMG Guidelines, 2015 [PMID:25741868]. Defects in ZDHHC15 may cause mental retardation, X-linked 91 (MRX91) [MIM:300577].

Literature cited by the submitters: PubMed 15915161.